The following is an entry in ClinVar:

NM_138387.4(G6PC3):c.661G>A (p.Gly221Ser)

Gene: G6PC3 (glucose-6-phosphatase catalytic subunit 3; plus strand). Cytogenetic location: 17q21.31.
Variant type: single nucleotide variant.
Coding change: c.661G>A on transcript NM_138387.4 (MANE Select); coding-DNA position 661, G replaced by A.
Protein change: p.Gly221Ser; replaces glycine 221 with serine.
Molecular consequence: missense variant.
Genome position (GRCh38, 1-based): chr17:44,075,435, G>A. VCF-style: chr17-44075435-G-A. GRCh37 (hg19) VCF-style: chr17-42152803-G-A.
Other names: c.542G>A, p.Gly181Glu (NM_001319945.2); c.316G>A, p.Gly106Ser (NM_001384165.1, NM_001384166.1, NM_001384167.1 and 1 more transcripts); short protein forms G221S, G181E, G106S.
Identifiers: ClinVar variation 3518054 (VCV003518054.1).

ClinVar aggregate classification (germline): Uncertain significance (1 of 4 stars; one submission).

Conditions:
Inborn genetic diseases. Identifiers: MedGen C0950123, MeSH D030342.

Submission:

Ambry Genetics
Classification: Uncertain significance for Inborn genetic diseases. Last evaluated: 2024-11-23. Review status: criteria provided, single submitter. Criteria: Ambry Variant Classification Scheme 2023. Collection method: clinical testing. Allele origin: germline.
Comment: The p.G221S variant (also known as c.661G>A), located in coding exon 5 of the G6PC3 gene, results from a G to A substitution at nucleotide position 661. The glycine at codon 221 is replaced by serine, an amino acid with similar properties. This amino acid position is conserved. In addition, this alteration is predicted to be deleterious by in silico analysis. Based on the available evidence, the clinical significance of this variant remains unclear.